The following is an entry in ClinVar:

NM_000051.4(ATM):c.4609C>T (p.Gln1537Ter)

Gene: ATM (ATM serine/threonine kinase; plus strand). Cytogenetic location: 11q22.3.
Variant type: single nucleotide variant.
Coding change: c.4609C>T on transcript NM_000051.4 (MANE Select); coding-DNA position 4609, C replaced by T.
Protein change: p.Gln1537Ter; replaces glutamine 1537 with a stop codon.
Molecular consequence: nonsense.
Genome position (GRCh38, 1-based): chr11:108,292,791, C>T. VCF-style: chr11-108292791-C-T. GRCh37 (hg19) VCF-style: chr11-108163518-C-T.
Other names: c.4609C>T, p.Gln1537Ter (NM_001351834.2); short protein forms Q1537*.
Identifiers: ClinVar variation 453528 (VCV000453528.13), dbSNP rs1555100037, ClinGen allele CA382534097.

ClinVar aggregate classification (germline): Pathogenic. Review status: criteria provided, multiple submitters, no conflicts (2 of 4 stars). 3 submissions from 3 submitters: Pathogenic (3). Last evaluated 2025-06-02.

Conditions:
Hereditary cancer-predisposing syndrome. Also called: Tumor predisposition; Hereditary Cancer Syndrome; Neoplastic Syndromes, Hereditary; Hereditary neoplastic syndrome. Identifiers: Orphanet 140162, MedGen C0027672, MeSH D009386, MONDO:0015356.
Familial cancer of breast. Also called: Hereditary breast cancer; hereditary breast carcinoma; BREAST CANCER, FAMILIAL. Identifiers: Orphanet 227535, MedGen C0346153, MONDO:0016419, OMIM 114480. Disease mechanism: loss of function.
Ataxia-telangiectasia syndrome (AT). Also called: Cerebello-oculocutaneous telangiectasia; Immunodeficiency with ataxia telangiectasia; Ataxia-telangiectasia, complementation group D; AT, COMPLEMENTATION GROUP C; Ataxia-telangiectasia, complementation group E; LOUIS-BAR SYNDROME. Identifiers: Orphanet 100, MedGen C0004135, MONDO:0008840, OMIM 208900.

Allele frequency attached by ClinVar (database versions not stated): gnomAD exomes below 0.00001.
gnomAD v4.1: 1 of 1,613,746 alleles (0.000062%); highest among the groups gnomAD compares: Non-Finnish European, 0.000085%; no homozygotes.

Submissions (3):

Labcorp Genetics (formerly Invitae), Labcorp
Classification: Pathogenic for Ataxia-telangiectasia syndrome. Last evaluated: 2025-06-02. Review status: criteria provided, single submitter. Criteria: Invitae Variant Classification Sherloc (09022015). Collection method: clinical testing. Allele origin: germline.
Comment: This sequence change creates a premature translational stop signal (p.Gln1537*) in the ATM gene. RNA analysis indicates that this premature translational stop signal induces altered splicing and may result in an absent or altered protein product. This variant is not present in population databases (gnomAD no frequency). This variant has not been reported in the literature in individuals affected with ATM-related conditions. ClinVar contains an entry for this variant (Variation ID: 453528). Studies have shown that this premature translational stop signal results in skipping of exon 30, and produces a non-functional protein and/or introduces a premature termination codon (internal data). For these reasons, this variant has been classified as Pathogenic.

Ambry Genetics
Classification: Pathogenic for Hereditary cancer-predisposing syndrome. Last evaluated: 2024-11-14. Review status: criteria provided, single submitter. Criteria: Ambry Variant Classification Scheme 2023. Collection method: clinical testing. Allele origin: germline.
Comment: The p.Q1537* pathogenic mutation (also known as c.4609C>T), located in coding exon 29 of the ATM gene, results from a C to T substitution at nucleotide position 4609. This changes the amino acid from a glutamine to a stop codon within coding exon 29. This alteration is expected to result in loss of function by premature protein truncation or nonsense-mediated mRNA decay. As such, this alteration is interpreted as a disease-causing mutation.

Myriad Genetics, Inc.
Classification: Pathogenic for Familial cancer of breast. Last evaluated: 2024-01-24. Review status: criteria provided, single submitter. Criteria: Myriad Autosomal Dominant, Autosomal Recessive and X-Linked Classification Criteria (2023). Collection method: clinical testing. Allele origin: unknown.
Comment: This variant is considered pathogenic. This variant creates a termination codon and is predicted to result in premature protein truncation.